The following is an entry in ClinVar:

NM_001256317.3(TMPRSS3):c.550T>G (p.Leu184Val)

Gene: TMPRSS3 (transmembrane serine protease 3; minus strand). Cytogenetic location: 21q22.3.
Variant type: single nucleotide variant.
Coding change: c.550T>G on transcript NM_001256317.3 (MANE Select); coding-DNA position 550, T replaced by G.
Protein change: p.Leu184Val; replaces leucine 184 with valine.
Molecular consequence: missense variant.
Genome position (GRCh38, 1-based): chr21:42,385,431, A>C on the plus strand (T>G on the coding strand, the complement: TMPRSS3 is on the minus strand). VCF-style: chr21-42385431-A-C. GRCh37 (hg19) VCF-style: chr21-43805540-A-C.
Other names: c.550T>G, p.Leu184Val (NM_024022.4, NM_032405.2); c.169T>G, p.Leu57Val (NM_032404.3); short protein forms L184V, L57V.
Identifiers: ClinVar variation 229325 (VCV000229325.5), dbSNP rs876658022, ClinGen allele CA10577130.
Genomic context (GRCh38, chr21:42,385,431, plus strand): 5'-GATACCTGTGCAGACAACAGCATCGCCTGACCACCTACCTCACATATACTGAGTGGTGTA[A>C]TGCAGTCACCTTGTCATCTGGCAAGAGGTGATCGATGGACACAAACTCCTCCCGGAACTG-3'
Protein context (NP_001243246.1, residues 174-194): HLLPDDKVTA[Leu184Val]HHSVYVREGC

ClinVar aggregate classification (germline): Uncertain significance (1 of 4 stars; one submission).

Allele frequency attached by ClinVar (database versions not stated): gnomAD exomes below 0.00001.
gnomAD v4.1: 4 of 1,614,084 alleles (0.00025%); highest among the groups gnomAD compares: Non-Finnish European, 0.00034%; no homozygotes.

Submission:

Laboratory for Molecular Medicine, Mass General Brigham Personalized Medicine
Classification: Uncertain significance. Last evaluated: 2015-03-25. Review status: criteria provided, single submitter. Criteria: LMM Criteria. Collection method: clinical testing. Allele origin: germline. Observed: 1 variant allele.
Comment: The p.Leu184Val variant in TMPRSS3 has not been previously reported in individua ls with hearing loss and was absent from large population studies. Computational prediction tools and conservation analyses do not provide strong support for or against an impact to the protein. In summary, the clinical significance of the p.Leu184Val variant is uncertain.